The following is an entry in ClinVar:

NM_006397.3(RNASEH2A):c.322C>T (p.Arg108Trp)

Gene: RNASEH2A (ribonuclease H2 subunit A; plus strand). Cytogenetic location: 19p13.13.
Variant type: single nucleotide variant.
Coding change: c.322C>T on transcript NM_006397.3 (MANE Select); coding-DNA position 322, C replaced by T.
Protein change: p.Arg108Trp; replaces arginine 108 with tryptophan.
Molecular consequence: missense variant.
Genome position (GRCh38, 1-based): chr19:12,807,328, C>T. VCF-style: chr19-12807328-C-T. GRCh37 (hg19) VCF-style: chr19-12918142-C-T.
Identifiers: ClinVar variation 126397 (VCV000126397.16), dbSNP rs76436818, ClinGen allele CA345495.

ClinVar aggregate classification (germline): Conflicting classifications of pathogenicity. Review status: criteria provided, conflicting classifications (1 of 4 stars). 6 submissions from 6 submitters: Likely pathogenic (4); Uncertain significance (1). 1 of the submissions does not count toward it. Last evaluated 2024-04-09.

Conditions:
Aicardi Goutieres syndrome (AGS). Also called: Encephalopathy, familial infantile, with calcification of basal ganglia and chronic cerebrospinal fluid lymphocytosis. Identifiers: Orphanet 51, MedGen C0393591, MONDO:0018866.
Aicardi-Goutieres syndrome 4. Identifiers: Orphanet 51, MedGen C1835912, MONDO:0012472, OMIM 610333.

Submissions (6):

Fulgent Genetics
Classification: Likely pathogenic for Aicardi-Goutieres syndrome 4. Last evaluated: 2024-04-09. Review status: criteria provided, single submitter. Criteria: ACMG Guidelines, 2015. Collection method: clinical testing. Allele origin: germline.

Women's Health and Genetics/Laboratory Corporation of America, LabCorp
Classification: Likely pathogenic for Aicardi Goutieres syndrome. Last evaluated: 2024-04-09. Review status: criteria provided, single submitter. Criteria: LabCorp Variant Classification Summary - May 2015. Collection method: clinical testing. Allele origin: germline.
Comment: Variant summary: RNASEH2A c.322C>T (p.Arg108Trp) results in a non-conservative amino acid change located in the Ribonuclease HII/HIII domain (IPR024567) of the encoded protein sequence. Five of five in-silico tools predict a damaging effect of the variant on protein function. In addition, the variant affects the penultimate nucleotide of exon 3, therefore might also affect splicing. Several computational tools predict a significant impact on normal splicing: one predict the variant no significant impact on splicing, two predict the variant weakens a 5' donor site, while one predict the variant abolishes a 5' splicing donor site. However, these predictions have yet to be confirmed by functional studies. The variant was absent in 251478 chromosomes (gnomAD v2.1). The variant c.322C>T has been reported in the literature in compound heterozygous- and homozygous individuals affected with Aicardi Goutieres Syndrome (e.g. Rice_2007, Rice_2013, Garau_2019, Ganapathy_2019, Wang_2022). These data indicate that the variant is likely to be associated with disease. Publications also reported experimental evidence evaluating an impact on protein function and demonstrated moderately decreased catalytic efficiency and nucleic acid binding (Coffin_2011), however, since authors used bacterially expressed (intronless) cDNA constructs (which don't undergo splicing) therefore the activities in these assays might not reflect the overall in vivo consequences of this variant. In addition, mitochondrial dysfunction was reported in lymphoblastoid cell lines (LCLs), derived from a compound heterozygous patient (Dragoni_2022). The following publications have been ascertained in the context of this evaluation (PMID: 17846997, 24183309, 33707687, 31069529, 35551623, 21454563, 36430958). ClinVar contains an entry for this variant (Variation ID: 126397). Based on the evidence outlined above, the variant was classified as likely pathogenic.

GeneDx
Classification: Likely pathogenic. Last evaluated: 2024-03-02. Review status: criteria provided, single submitter. Criteria: GeneDx Variant Classification Process June 2021. Collection method: clinical testing. Allele origin: germline. Affected: yes.
Comment: Not observed at significant frequency in large population cohorts (gnomAD); Published functional studies suggest a damaging effect on catalytic efficiency and binding affinity (PMID: 21454563); In silico analyses support that this missense variant has a deleterious effect on protein structure/function and a deleterious effect on splicing; This variant is associated with the following publications: (PMID: 36430958, 31069529, 31130681, 17846997, 35551623, 33707687, 21454563)

Labcorp Genetics (formerly Invitae), Labcorp
Classification: Uncertain significance for Aicardi-Goutieres syndrome 4. Last evaluated: 2022-09-06. Review status: criteria provided, single submitter. Criteria: Invitae Variant Classification Sherloc (09022015). Collection method: clinical testing. Allele origin: germline.
Comment: This sequence change replaces arginine, which is basic and polar, with tryptophan, which is neutral and slightly polar, at codon 108 of the RNASEH2A protein (p.Arg108Trp). This variant is not present in population databases (gnomAD no frequency). This missense change has been observed in individual(s) with Aicardi-Goutieres syndrome (PMID: 31130681). ClinVar contains an entry for this variant (Variation ID: 126397). Algorithms developed to predict the effect of missense changes on protein structure and function are either unavailable or do not agree on the potential impact of this missense change (SIFT: "Deleterious"; PolyPhen-2: "Probably Damaging"; Align-GVGD: "Class C0"). Experimental studies are conflicting or provide insufficient evidence to determine the effect of this variant on RNASEH2A function (PMID: 21454563). Algorithms developed to predict the effect of sequence changes on RNA splicing suggest that this variant may create or strengthen a splice site. In summary, the available evidence is currently insufficient to determine the role of this variant in disease. Therefore, it has been classified as a Variant of Uncertain Significance.

Neuberg Centre For Genomic Medicine, NCGM
Classification: Likely pathogenic for Aicardi-Goutieres syndrome 4. Review status: criteria provided, single submitter. Criteria: ACMG Guidelines, 2015. Collection method: clinical testing. Allele origin: germline. Affected: yes.
Comment: The missense variant p.R108W in RNASEH2A (NM_006397.3) has ben previously reported in affected patients (Stephanie R Coffin et al). Functional studies have not been performed. It has been submitted to ClinVar as Pathogenic. It is novel (not in any individuals) in gnomAD ExomesThe p.R108W variant is novel (not in any individuals) in 1000 Genomes. In silico tools predict the variant to be damaging and the residue is moderately conserved across species. For these reasons, this variant has been classified as Likely Pathogenic.

GeneReviews
No classification provided. Condition: Aicardi-Goutieres syndrome 4. Review status: no classification provided. Collection method: literature only. Allele origin: germline. Affected: yes. Not counted in ClinVar's aggregate classification.

Literature cited by the submitters: PubMed 17846997 (cited by Women's Health and Genetics/Laboratory Corporation of America, LabCorp); PubMed 24183309 (cited by Women's Health and Genetics/Laboratory Corporation of America, LabCorp); PubMed 31069529 (cited by Women's Health and Genetics/Laboratory Corporation of America, LabCorp); PubMed 21454563 (cited by Women's Health and Genetics/Laboratory Corporation of America, LabCorp and Labcorp Genetics (formerly Invitae), Labcorp); PubMed 36430958 (cited by Women's Health and Genetics/Laboratory Corporation of America, LabCorp); PubMed 33707687 (cited by Women's Health and Genetics/Laboratory Corporation of America, LabCorp); PubMed 35551623 (cited by Women's Health and Genetics/Laboratory Corporation of America, LabCorp); PubMed 31130681 (cited by Labcorp Genetics (formerly Invitae), Labcorp); NCBI Bookshelf NBK1475 (cited by GeneReviews).